The following is an entry in ClinVar:

NM_001267550.2(TTN):c.31456A>T (p.Ile10486Phe)

Gene: TTN (titin; minus strand). Cytogenetic location: 2q31.2.
Variant type: single nucleotide variant.
Coding change: c.31456A>T on transcript NM_001267550.2 (MANE Select); coding-DNA position 31456, A replaced by T.
Protein change: p.Ile10486Phe; replaces isoleucine 10486 with phenylalanine.
Molecular consequence: missense variant. On other transcripts: intron variant (3).
Genome position (GRCh38, 1-based): chr2:178,693,979, T>A on the plus strand (A>T on the coding strand, the complement: TTN is on the minus strand). VCF-style: chr2-178693979-T-A. GRCh37 (hg19) VCF-style: chr2-179558706-T-A.
Other names: p.Ile10169Phe; c.30505A>T, p.Ile10169Phe (NM_001256850.1); c.27724A>T, p.Ile9242Phe (NM_133378.4); c.13282+44103A>T (NM_003319.4); c.13858+44103A>T (NM_133437.4); c.13657+44103A>T (NM_133432.3); short protein forms I10486F, I9242F, I10169F.
Identifiers: ClinVar variation 332894 (VCV000332894.51), dbSNP rs772882862, ClinGen allele CA1998946.
Genomic context (GRCh38, chr2:178,693,979, plus strand): 5'-TACCTGTGACTGACACCTCCTCCTCTGTGTGAGAAGCAAAGAACATCTTTTCTTCTGAAA[T>A]AACCATCTTCTTTGTATGCACAGCTGGTACTTTAAAGAGAGTATTTCACATTAGTATTCC-3'
Protein context (NP_001254479.2, residues 10476-10496): VPAVHTKKMV[Ile10486Phe]SEEKMFFASH

ClinVar aggregate classification (germline): Conflicting classifications of pathogenicity. Review status: criteria provided, conflicting classifications (1 of 4 stars). 12 submissions from 6 submitters: Uncertain significance (9); Benign (1); Likely benign (2). Last evaluated 2025-10-02.

Conditions:
Tibial muscular dystrophy (TMD). Also called: Udd Distal Myopathy – Tibial Muscular Dystrophy; UDD MYOPATHY; Tibial muscular dystrophy, tardive. Identifiers: Orphanet 609, MedGen C1838244, MONDO:0010870, OMIM 600334.
Myopathy, myofibrillar, 9, with early respiratory failure (MFM9). Also called: Myopathy, distal, with early respiratory failure, autosomal dominant; EDSTROM MYOPATHY; Hereditary myopathy with early respiratory failure; MYOPATHY, PROXIMAL, WITH EARLY RESPIRATORY MUSCLE INVOLVEMENT. Identifiers: Orphanet 178464, Orphanet 34521, MedGen C1863599, MONDO:0011362, OMIM 603689.
TTN-related disorder. Also called: TTN-related condition; TTN-related disease; TTN-related disorders.
Early-onset myopathy with fatal cardiomyopathy (CMYO5). Also called: CONGENITAL MYOPATHY 5 WITH CARDIOMYOPATHY; Salih Myopathy. Identifiers: Orphanet 289377, MedGen C2673677, MONDO:0012714, OMIM 611705. Disease mechanism: loss of function.
Autosomal recessive limb-girdle muscular dystrophy type 2J (LGMDR10). Also called: MUSCULAR DYSTROPHY, LIMB-GIRDLE, AUTOSOMAL RECESSIVE 10; Limb-girdle muscular dystrophy, type 2J. Identifiers: Orphanet 140922, MedGen C1837342, MONDO:0012127, OMIM 608807.
Dilated cardiomyopathy 1G (CMD1G). Identifiers: Orphanet 154, MedGen C1858763, MONDO:0011400, OMIM 604145.

Allele frequency attached by ClinVar (database versions not stated): TOPMed 0.00004; gnomAD exomes 0.00005 and 0.00006; gnomAD 0.00006; ExAC 0.00009.
gnomAD v4.1: 98 of 1,612,438 alleles (0.0061%); highest among the groups gnomAD compares: Non-Finnish European, 0.0076%; no homozygotes.

Submissions (12):

PreventionGenetics, part of Exact Sciences
Classification: Uncertain significance for TTN-related condition. Last evaluated: 2025-10-02. Review status: criteria provided, single submitter. Criteria: ACMG Guidelines, 2015. Collection method: clinical testing. Allele origin: germline.
Comment: The TTN c.31456A>T variant is predicted to result in the amino acid substitution p.Ile10486Phe. To our knowledge, this variant has not been reported in the literature. This variant is reported in 0.010% of alleles in individuals of European (Non-Finnish) descent in gnomAD. At this time, the clinical significance of this variant is uncertain due to the absence of conclusive functional and genetic evidence.

Mayo Clinic Laboratories, Mayo Clinic
Classification: Uncertain significance. Last evaluated: 2024-04-25. Review status: criteria provided, single submitter. Criteria: ACMG Guidelines, 2015. Collection method: clinical testing. Allele origin: germline. Observed: 1 variant allele.
Comment: BP4

GeneDx
Classification: Likely benign. Last evaluated: 2018-05-04. Review status: criteria provided, single submitter. Criteria: GeneDx Variant Classification (06012015). Collection method: clinical testing. Allele origin: germline. Affected: yes.
Comment: This variant is considered likely benign or benign based on one or more of the following criteria: it is a conservative change, it occurs at a poorly conserved position in the protein, it is predicted to be benign by multiple in silico algorithms, and/or has population frequency not consistent with disease.

Illumina Laboratory Services, Illumina
Classification: Likely benign for Myopathy, myofibrillar, 9, with early respiratory failure. Last evaluated: 2018-01-12. Review status: criteria provided, single submitter. Criteria: ICSL Variant Classification Criteria 13 December 2019. Collection method: clinical testing. Allele origin: germline.
Comment: This variant was observed in the ICSL laboratory as part of a predisposition screen in an ostensibly healthy population. It had not been previously curated by ICSL or reported in the Human Gene Mutation Database (HGMD: prior to June 1st, 2018), and was therefore a candidate for classification through an automated scoring system. Utilizing variant allele frequency, disease prevalence and penetrance estimates, and inheritance mode, an automated score was calculated to assess if this variant is too frequent to cause the disease. Based on the score and internal cut-off values, a variant classified as likely benign is not then subjected to further curation. The score for this variant resulted in a classification of likely benign for this disease.

Illumina Laboratory Services, Illumina
Classification: Benign for Tibial muscular dystrophy. Last evaluated: 2018-01-12. Review status: criteria provided, single submitter. Criteria: ICSL Variant Classification Criteria 13 December 2019. Collection method: clinical testing. Allele origin: germline.
Comment: This variant was observed in the ICSL laboratory as part of a predisposition screen in an ostensibly healthy population. It had not been previously curated by ICSL or reported in the Human Gene Mutation Database (HGMD: prior to June 1st, 2018), and was therefore a candidate for classification through an automated scoring system. Utilizing variant allele frequency, disease prevalence and penetrance estimates, and inheritance mode, an automated score was calculated to assess if this variant is too frequent to cause the disease. Based on the score and internal cut-off values, a variant classified as benign is not then subjected to further curation. The score for this variant resulted in a classification of benign for this disease.

Illumina Laboratory Services, Illumina
Classification: Uncertain significance for Early-onset myopathy with fatal cardiomyopathy. Last evaluated: 2018-01-12. Review status: criteria provided, single submitter. Criteria: ICSL Variant Classification Criteria 13 December 2019. Collection method: clinical testing. Allele origin: germline.

Illumina Laboratory Services, Illumina
Classification: Uncertain significance for Autosomal recessive limb-girdle muscular dystrophy type 2J. Last evaluated: 2018-01-12. Review status: criteria provided, single submitter. Criteria: ICSL Variant Classification Criteria 13 December 2019. Collection method: clinical testing. Allele origin: germline.

Illumina Laboratory Services, Illumina
Classification: Uncertain significance for Dilated cardiomyopathy 1G. Last evaluated: 2018-01-12. Review status: criteria provided, single submitter. Criteria: ICSL Variant Classification Criteria 13 December 2019. Collection method: clinical testing. Allele origin: germline.

CeGaT Center for Human Genetics Tuebingen
Classification: Uncertain significance. Last evaluated: 2017-11-01. Review status: criteria provided, single submitter. Criteria: CeGaT Center For Human Genetics Tuebingen Variant Classification Criteria Version 2. Collection method: clinical testing. Allele origin: germline. Affected: yes. Observed: 1 variant allele.

Phosphorus, Inc.
Classification: Uncertain significance for Dilated cardiomyopathy 1G. Last evaluated: 2017-08-01. Review status: criteria provided, single submitter. Criteria: ACMG Guidelines, 2015. Collection method: clinical testing. Allele origin: germline. Observed: 2 variant alleles.

Phosphorus, Inc.
Classification: Uncertain significance for Autosomal recessive limb-girdle muscular dystrophy type 2J. Last evaluated: 2017-08-01. Review status: criteria provided, single submitter. Criteria: ACMG Guidelines, 2015. Collection method: clinical testing. Allele origin: germline. Observed: 2 variant alleles.

Phosphorus, Inc.
Classification: Uncertain significance for Tibial muscular dystrophy. Last evaluated: 2017-08-01. Review status: criteria provided, single submitter. Criteria: ACMG Guidelines, 2015. Collection method: clinical testing. Allele origin: germline. Observed: 2 variant alleles.